The following is an entry in ClinVar:

ClinVar aggregate classification (germline): Uncertain significance (1 of 4 stars; one submission).

Submission:

Labcorp Genetics (formerly Invitae), Labcorp
Classification: Uncertain significance. Last evaluated: 2022-04-23. Review status: criteria provided, single submitter. Criteria: Invitae Variant Classification Sherloc (09022015). Collection method: clinical testing. Allele origin: germline.
Comment: This sequence change replaces glutamic acid, which is acidic and polar, with glutamine, which is neutral and polar, at codon 457 of the DEAF1 protein (p.Glu457Gln). This variant is not present in population databases (gnomAD no frequency). This variant has not been reported in the literature in individuals affected with DEAF1-related conditions. Advanced modeling of protein sequence and biophysical properties (such as structural, functional, and spatial information, amino acid conservation, physicochemical variation, residue mobility, and thermodynamic stability) performed at Invitae indicates that this missense variant is expected to disrupt DEAF1 protein function. In summary, the available evidence is currently insufficient to determine the role of this variant in disease. Therefore, it has been classified as a Variant of Uncertain Significance.

NM_021008.4(DEAF1):c.1369G>C (p.Glu457Gln)

Genes: DEAF1 (DEAF1 transcription factor; minus strand), LOC126861109 (BRD4-independent group 4 enhancer GRCh37_chr11:673917-675116; plus strand). Cytogenetic location: 11p15.5.
Variant type: single nucleotide variant.
Coding change: c.1369G>C on transcript NM_021008.4 (MANE Select); coding-DNA position 1369, G replaced by C.
Protein change: p.Glu457Gln; replaces glutamic acid 457 with glutamine.
Molecular consequence: missense variant.
Genome position (GRCh38, 1-based): chr11:674,670, C>G on the plus strand (G>C on the coding strand, the complement: DEAF1 is on the minus strand). VCF-style: chr11-674670-C-G. GRCh37 (hg19) VCF-style: chr11-674670-C-G.
Other names: c.1102G>C, p.Glu368Gln (NM_001293634.2); c.643G>C, p.Glu215Gln (NM_001367390.1); short protein forms E215Q, E368Q, E457Q.
Identifiers: ClinVar variation 1945091 (VCV001945091.5), dbSNP rs2494379437, ClinGen allele CA378924140.